The following is an entry in ClinVar:

ClinVar aggregate classification (germline): Uncertain significance (1 of 4 stars; one submission).

Conditions:
Neuropathy, hereditary sensory and autonomic, type 2A (HSAN2A). Also called: ACROOSTEOLYSIS, GIACCAI TYPE; ACROOSTEOLYSIS, NEUROGENIC; MORVAN DISEASE; NEUROPATHY, CONGENITAL SENSORY; NEUROPATHY, HEREDITARY SENSORY RADICULAR, AUTOSOMAL RECESSIVE; NEUROPATHY, HEREDITARY SENSORY, TYPE IIA. Identifiers: Orphanet 970, MedGen C2752089, MONDO:0024309, OMIM 201300.
Pseudohypoaldosteronism type 2C (PHA2C). Also called: Pseudohypoaldosteronism Type IIC. Identifiers: Orphanet 757, Orphanet 88940, MedGen C1840391, MONDO:0013778, OMIM 614492.

Submission:

Labcorp Genetics (formerly Invitae), Labcorp
Classification: Uncertain significance for Neuropathy, hereditary sensory and autonomic, type 2A; Pseudohypoaldosteronism type 2C. Last evaluated: 2024-09-02. Review status: criteria provided, single submitter. Criteria: Invitae Variant Classification Sherloc (09022015). Collection method: clinical testing. Allele origin: germline.
Comment: This sequence change replaces proline, which is neutral and non-polar, with arginine, which is basic and polar, at codon 1614 of the WNK1 protein (p.Pro1614Arg). This variant is not present in population databases (gnomAD no frequency). This variant has not been reported in the literature in individuals affected with WNK1-related conditions. Invitae Evidence Modeling of protein sequence and biophysical properties (such as structural, functional, and spatial information, amino acid conservation, physicochemical variation, residue mobility, and thermodynamic stability) indicates that this missense variant is not expected to disrupt WNK1 protein function with a negative predictive value of 95%. In summary, the available evidence is currently insufficient to determine the role of this variant in disease. Therefore, it has been classified as a Variant of Uncertain Significance.

NM_018979.4(WNK1):c.4085C>G (p.Pro1362Arg)

Gene: WNK1 (WNK lysine deficient protein kinase 1; plus strand). Cytogenetic location: 12p13.33.
Variant type: single nucleotide variant.
Coding change: c.4085C>G on transcript NM_018979.4 (MANE Select); coding-DNA position 4085, C replaced by G.
Protein change: p.Pro1362Arg; replaces proline 1362 with arginine.
Molecular consequence: missense variant.
Genome position (GRCh38, 1-based): chr12:884,889, C>G. VCF-style: chr12-884889-C-G. GRCh37 (hg19) VCF-style: chr12-994055-C-G.
Other names: c.4865C>G, p.Pro1622Arg (NM_001184985.2); c.3344C>G, p.Pro1115Arg (NM_014823.3); c.4841C>G, p.Pro1614Arg (NM_213655.5); short protein forms P1115R, P1362R, P1614R, P1622R.
Identifiers: ClinVar variation 3753838 (VCV003753838.2).